The following is an entry in ClinVar:

NM_183357.3(ADCY5):c.2074G>A (p.Glu692Lys)

Gene: ADCY5 (adenylate cyclase 5; minus strand). Cytogenetic location: 3q21.1.
Variant type: single nucleotide variant.
Coding change: c.2074G>A on transcript NM_183357.3 (MANE Select); coding-DNA position 2074, G replaced by A.
Protein change: p.Glu692Lys; replaces glutamic acid 692 with lysine.
Molecular consequence: missense variant.
Genome position (GRCh38, 1-based): chr3:123,325,336, C>T on the plus strand (G>A on the coding strand, the complement: ADCY5 is on the minus strand). VCF-style: chr3-123325336-C-T. GRCh37 (hg19) VCF-style: chr3-123044183-C-T.
Other names: c.1024G>A, p.Glu342Lys (NM_001199642.1); c.2074G>A, p.Glu692Lys (NM_001378259.1); short protein forms E342K, E692K.
Identifiers: ClinVar variation 1679241 (VCV001679241.9), dbSNP rs1553726047, ClinGen allele CA354218305.

ClinVar aggregate classification (germline): Uncertain significance. Review status: criteria provided, multiple submitters, no conflicts (2 of 4 stars). 3 submissions from 3 submitters: Uncertain significance (3). Last evaluated 2024-02-05.

Conditions:
Dyskinesia with orofacial involvement, autosomal dominant (DSKOD). Also called: Familial dyskinesia and facial myokymia; Familial Dyskinesia with Facial Myokymia (FDFM); Dyskinesia, familial, with facial myokymia. Identifiers: Orphanet 324588, MedGen C1847627, MONDO:0800028, OMIM 606703.

Submissions (3):

Labcorp Genetics (formerly Invitae), Labcorp
Classification: Uncertain significance. Last evaluated: 2024-02-05. Review status: criteria provided, single submitter. Criteria: Invitae Variant Classification Sherloc (09022015). Collection method: clinical testing. Allele origin: germline.
Comment: This sequence change replaces glutamic acid, which is acidic and polar, with lysine, which is basic and polar, at codon 692 of the ADCY5 protein (p.Glu692Lys). This variant is not present in population databases (gnomAD no frequency). This variant has not been reported in the literature in individuals affected with ADCY5-related conditions. ClinVar contains an entry for this variant (Variation ID: 1679241). Advanced modeling of protein sequence and biophysical properties (such as structural, functional, and spatial information, amino acid conservation, physicochemical variation, residue mobility, and thermodynamic stability) performed at Invitae indicates that this missense variant is not expected to disrupt ADCY5 protein function with a negative predictive value of 95%. In summary, the available evidence is currently insufficient to determine the role of this variant in disease. Therefore, it has been classified as a Variant of Uncertain Significance.

GeneDx
Classification: Uncertain significance. Last evaluated: 2023-01-13. Review status: criteria provided, single submitter. Criteria: GeneDx Variant Classification Process June 2021. Collection method: clinical testing. Allele origin: germline. Affected: yes.
Comment: Not observed at significant frequency in large population cohorts (gnomAD); In silico analysis supports that this missense variant does not alter protein structure/function; Has not been previously published as pathogenic or benign to our knowledge

Department of Clinical Genetics, Copenhagen University Hospital, Rigshospitalet
Classification: Uncertain significance for Dyskinesia with orofacial involvement, autosomal dominant. Last evaluated: 2021-08-01. Review status: criteria provided, single submitter. Criteria: ACMG Guidelines, 2015. Collection method: clinical testing. Allele origin: inherited. Affected: yes.